The following is an entry in ClinVar:

NM_004958.4(MTOR):c.1858A>G (p.Met620Val)

Gene: MTOR (mechanistic target of rapamycin kinase; minus strand). Cytogenetic location: 1p36.22.
Variant type: single nucleotide variant.
Coding change: c.1858A>G on transcript NM_004958.4 (MANE Select); coding-DNA position 1858, A replaced by G.
Protein change: p.Met620Val; replaces methionine 620 with valine.
Molecular consequence: missense variant.
Genome position (GRCh38, 1-based): chr1:11,238,546, T>C on the plus strand (A>G on the coding strand, the complement: MTOR is on the minus strand). VCF-style: chr1-11238546-T-C. GRCh37 (hg19) VCF-style: chr1-11298603-T-C.
Other names: c.1858A>G, p.Met620Val (NM_001386500.1); c.610A>G, p.Met204Val (NM_001386501.1); short protein forms M204V, M620V.
Identifiers: ClinVar variation 3703575 (VCV003703575.3).
Genomic context (GRCh38, chr1:11,238,546, plus strand): 5'-GGCCACTGATGAGGTGGATGGAGGGTGTGAGCAGGCGGGAGCAGGTGCGGGCAGCCTCCA[T>C]GCGGATCTCCTTGTGCTCACTGTTCAGGAAATGATCCGCACAGTGGCGAACAAATTGGGT-3'
Protein context (NP_004949.1, residues 610-630): FLNSEHKEIR[Met620Val]EAARTCSRLL

ClinVar aggregate classification (germline): Uncertain significance. Review status: criteria provided, multiple submitters, no conflicts (2 of 4 stars). 2 submissions from 2 submitters: Uncertain significance (2). Last evaluated 2026-01-21.

Conditions:
Inborn genetic diseases. Identifiers: MedGen C0950123, MeSH D030342.

Submissions (2):

Ambry Genetics
Classification: Uncertain significance for Inborn genetic diseases. Last evaluated: 2026-01-21. Review status: criteria provided, single submitter. Criteria: Ambry Variant Classification Scheme 2023. Collection method: clinical testing. Allele origin: germline.

Labcorp Genetics (formerly Invitae), Labcorp
Classification: Uncertain significance. Last evaluated: 2024-09-16. Review status: criteria provided, single submitter. Criteria: Invitae Variant Classification Sherloc (09022015). Collection method: clinical testing. Allele origin: germline.
Comment: This sequence change replaces methionine, which is neutral and non-polar, with valine, which is neutral and non-polar, at codon 620 of the MTOR protein (p.Met620Val). This variant is not present in population databases (gnomAD no frequency). This variant has not been reported in the literature in individuals affected with MTOR-related conditions. Invitae Evidence Modeling of protein sequence and biophysical properties (such as structural, functional, and spatial information, amino acid conservation, physicochemical variation, residue mobility, and thermodynamic stability) indicates that this missense variant is not expected to disrupt MTOR protein function with a negative predictive value of 95%. In summary, the available evidence is currently insufficient to determine the role of this variant in disease. Therefore, it has been classified as a Variant of Uncertain Significance.